The following is an entry in ClinVar:

ClinVar aggregate classification (germline): Conflicting classifications of pathogenicity. Review status: criteria provided, conflicting classifications (1 of 4 stars). 3 submissions from 3 submitters: Uncertain significance (1); Likely benign (1). 1 of the submissions does not count toward it. Last evaluated 2025-04-28.

Conditions:
Cardiovascular phenotype. Identifiers: MedGen CN230736.
JAG1-related disorder. Also called: JAG1-related condition; JAG1-related disorders.
Alagille syndrome due to a JAG1 point mutation. Also called: Alagille Syndrome 1; HEPATIC DUCTULAR HYPOPLASIA, SYNDROMATIC; JAG1-Related Alagille Syndrome. Identifiers: Orphanet 261619, Orphanet 52, MedGen C1956125, MONDO:0016862, OMIM 118450.

Allele frequency attached by ClinVar (database versions not stated): gnomAD exomes 0.00001 and 0.00002; ExAC 0.00002; TOPMed 0.00004; 1000 Genomes Project 30x 0.00016; 1000 Genomes Project 0.00020; gnomAD 0.00001.
gnomAD v4.1: 7 of 1,613,928 alleles (0.00043%); highest among the groups gnomAD compares: Admixed American, 0.012%; no homozygotes.

Submissions (3):

Labcorp Genetics (formerly Invitae), Labcorp
Classification: Likely benign for Alagille syndrome due to a JAG1 point mutation. Last evaluated: 2025-04-28. Review status: criteria provided, single submitter. Criteria: Invitae Variant Classification Sherloc (09022015). Collection method: clinical testing. Allele origin: germline.

Ambry Genetics
Classification: Uncertain significance for Cardiovascular phenotype. Last evaluated: 2024-04-28. Review status: criteria provided, single submitter. Criteria: Ambry Variant Classification Scheme 2023. Collection method: clinical testing. Allele origin: germline.
Comment: The p.A492V variant (also known as c.1475C>T), located in coding exon 12 of the JAG1 gene, results from a C to T substitution at nucleotide position 1475. The alanine at codon 492 is replaced by valine, an amino acid with similar properties. This amino acid position is conserved. In addition, this alteration is predicted to be tolerated by in silico analysis. Since supporting evidence is limited at this time, the clinical significance of this alteration remains unclear.

PreventionGenetics, part of Exact Sciences
Classification: Uncertain significance for JAG1-related condition. Last evaluated: 2024-01-11. Review status: no assertion criteria provided. Collection method: clinical testing. Allele origin: germline. Not counted in ClinVar's aggregate classification.
Comment: The JAG1 c.1475C>T variant is predicted to result in the amino acid substitution p.Ala492Val. To our knowledge, this variant has not been reported in the literature. This variant is reported in 0.017% of alleles in individuals of Latino descent in gnomAD. Although we suspect that this variant may be benign, at this time, the clinical significance of this variant is uncertain due to the absence of conclusive functional and genetic evidence.

NM_000214.3(JAG1):c.1475C>T (p.Ala492Val)

Gene: JAG1 (jagged canonical Notch ligand 1; minus strand). Cytogenetic location: 20p12.2.
Variant type: single nucleotide variant.
Coding change: c.1475C>T on transcript NM_000214.3 (MANE Select); coding-DNA position 1475, C replaced by T.
Protein change: p.Ala492Val; replaces alanine 492 with valine.
Molecular consequence: missense variant.
Genome position (GRCh38, 1-based): chr20:10,648,643, G>A on the plus strand (C>T on the coding strand, the complement: JAG1 is on the minus strand). VCF-style: chr20-10648643-G-A. GRCh37 (hg19) VCF-style: chr20-10629291-G-A.
Other names: short protein forms A492V.
Identifiers: ClinVar variation 1055495 (VCV001055495.15), dbSNP rs200250528, ClinGen allele CA9764836.